The following is an entry in ClinVar:

ClinVar aggregate classification (germline): Uncertain significance. Review status: criteria provided, multiple submitters, no conflicts (2 of 4 stars). 3 submissions from 3 submitters: Uncertain significance (3). Last evaluated 2025-09-10.

Allele frequency attached by ClinVar (database versions not stated): gnomAD 0.00003 and 0.00004; TOPMed 0.00006; ESP Exome Variant Server 0.00023.
gnomAD v4.1: 15 of 1,613,972 alleles (0.00093%); highest among the groups gnomAD compares: African/African-American, 0.017%; no homozygotes.

Submissions (3):

Labcorp Genetics (formerly Invitae), Labcorp
Classification: Uncertain significance. Last evaluated: 2025-09-10. Review status: criteria provided, single submitter. Criteria: Invitae Variant Classification Sherloc (09022015). Collection method: clinical testing. Allele origin: germline.
Comment: This sequence change replaces arginine, which is basic and polar, with cysteine, which is neutral and slightly polar, at codon 296 of the KIF23 protein (p.Arg296Cys). This variant is present in population databases (rs150488775, gnomAD 0.03%). This variant has not been reported in the literature in individuals affected with KIF23-related conditions. ClinVar contains an entry for this variant (Variation ID: 1693649). Invitae Evidence Modeling of protein sequence and biophysical properties (such as structural, functional, and spatial information, amino acid conservation, physicochemical variation, residue mobility, and thermodynamic stability) indicates that this missense variant is not expected to disrupt KIF23 protein function with a negative predictive value of 80%. In summary, the available evidence is currently insufficient to determine the role of this variant in disease. Therefore, it has been classified as a Variant of Uncertain Significance.

Revvity Omics, Revvity
Classification: Uncertain significance. Last evaluated: 2024-09-10. Review status: criteria provided, single submitter. Criteria: ACMG Guidelines, 2015. Collection method: clinical testing. Allele origin: germline.

Mayo Clinic Laboratories, Mayo Clinic
Classification: Uncertain significance. Last evaluated: 2021-07-14. Review status: criteria provided, single submitter. Criteria: ACMG Guidelines, 2015. Collection method: clinical testing. Allele origin: germline.

NM_001367805.3(KIF23):c.928C>T (p.Arg310Cys)

Gene: KIF23 (kinesin family member 23; plus strand). Cytogenetic location: 15q23.
Variant type: single nucleotide variant.
Coding change: c.928C>T on transcript NM_001367805.3 (MANE Select); coding-DNA position 928, C replaced by T.
Protein change: p.Arg310Cys; replaces arginine 310 with cysteine.
Molecular consequence: missense variant. On other transcripts: non-coding transcript variant (2).
Genome position (GRCh38, 1-based): chr15:69,426,374, C>T. VCF-style: chr15-69426374-C-T. GRCh37 (hg19) VCF-style: chr15-69718713-C-T.
Other names: p.Arg296Cys; c.556C>T, p.Arg186Cys (NM_001281301.2); c.886C>T, p.Arg296Cys (NM_001367804.2, NM_004856.7, NM_138555.4); short protein forms R186C, R296C, R310C.
Identifiers: ClinVar variation 1693649 (VCV001693649.10), dbSNP rs150488775, ClinGen allele CA7635025.
Genomic context (GRCh38, chr15:69,426,374, plus strand): 5'-AATGATTTCTCTGTTGTCCTAGGCCAGAAAAAGAGACGTATTGCTAATACCCATTTGAAT[C>T]GTGAGTCCAGCCGTTCCCATAGCGTGTTCAACATTAAATTAGTTCAGGCTCCCTTGGATG-3'
Protein context (NP_001354734.1, residues 300-320): KRRIANTHLN[Arg310Cys]ESSRSHSVFN